The following is an entry in ClinVar:

ClinVar aggregate classification (germline): Benign (1 of 4 stars; one submission).

Allele frequency attached by ClinVar (database versions not stated): gnomAD exomes 0.95182; ExAC 0.96100; ESP Exome Variant Server 0.96325; gnomAD 0.96682; TOPMed 0.97079; 1000 Genomes Project 0.97804; 1000 Genomes Project 30x 0.97986.

Submission:

Unidad de Genómica Garrahan, Hospital de Pediatría Garrahan
Classification: Benign. Last evaluated: 2023-11-12. Review status: criteria provided, single submitter. Criteria: ACMG Guidelines, 2015. Collection method: clinical testing. Allele origin: germline. Affected: no. Observed: 96 variant alleles.
Comment: This variant is classified as Benign based on local population frequency. This variant was detected in 100% of patients studied by a panel of primary immunodeficiencies. Number of patients: 96. Only high quality variants are reported.

NM_004371.4(COPA):c.1528+44T>C

Gene: COPA (COPI coat complex subunit alpha; minus strand). Cytogenetic location: 1q23.2.
Variant type: single nucleotide variant.
Coding change: c.1528+44T>C on transcript NM_004371.4 (MANE Select); 44 bases into the intron after coding-DNA position 1528, T replaced by C.
Molecular consequence: intron variant.
Genome position (GRCh38, 1-based): chr1:160,305,644, A>G on the plus strand (T>C on the coding strand, the complement: COPA is on the minus strand). VCF-style: chr1-160305644-A-G. GRCh37 (hg19) VCF-style: chr1-160275434-A-G.
Other names: c.1528+44T>C (NM_001098398.2).
Identifiers: ClinVar variation 2628134 (VCV002628134.2), dbSNP rs2066320, ClinGen allele CA1198081.